The following is an entry in ClinVar:

NM_006031.6(PCNT):c.4008C>G (p.Thr1336=)

Gene: PCNT (pericentrin; plus strand). Cytogenetic location: 21q22.3.
Variant type: single nucleotide variant.
Coding change: c.4008C>G on transcript NM_006031.6 (MANE Select); coding-DNA position 4008, C replaced by G.
Protein change: p.Thr1336=; no amino-acid change (threonine 1336 retained).
Molecular consequence: synonymous variant.
Genome position (GRCh38, 1-based): chr21:46,391,168, C>G. VCF-style: chr21-46391168-C-G. GRCh37 (hg19) VCF-style: chr21-47811083-C-G.
Other names: c.3654C>G, p.Thr1218= (NM_001315529.2); c.4008C>G (NM_006031.5).
Identifiers: ClinVar variation 2886986 (VCV002886986.4), dbSNP rs753886712, ClinGen allele CA10079514.

ClinVar aggregate classification (germline): Likely benign. Review status: criteria provided, multiple submitters, no conflicts (2 of 4 stars). 2 submissions from 2 submitters: Likely benign (2). Last evaluated 2025-09-17.

Conditions:
PCNT-related disorder. Also called: PCNT-related condition.

Allele frequency attached by ClinVar (database versions not stated): gnomAD exomes below 0.00001; gnomAD 0.00001; TOPMed 0.00002.
gnomAD v4.1: 6 of 1,594,476 alleles (0.00038%); highest among the groups gnomAD compares: African/African-American, 0.004%; no homozygotes.

Submissions (2):

PreventionGenetics, part of Exact Sciences
Classification: Likely benign for PCNT-related condition. Last evaluated: 2025-09-17. Review status: criteria provided, single submitter. Criteria: ACMG Guidelines, 2015. Collection method: clinical testing. Allele origin: germline.
Comment: This variant is classified as likely benign based on ACMG/AMP sequence variant interpretation guidelines (Richards et al. 2015 PMID: 25741868, with internal and published modifications).

Labcorp Genetics (formerly Invitae), Labcorp
Classification: Likely benign. Last evaluated: 2024-01-04. Review status: criteria provided, single submitter. Criteria: Invitae Variant Classification Sherloc (09022015). Collection method: clinical testing. Allele origin: germline.